The following is an entry in ClinVar:

ClinVar aggregate classification (germline): Uncertain significance (1 of 4 stars; one submission).

Conditions:
Long QT syndrome (LQTS). Identifiers: MedGen C0023976, MeSH D008133, MONDO:0002442. Disease mechanism: loss of function. Inheritance: Various modes of inheritance.

Submission:

All of Us Research Program, National Institutes of Health
Classification: Uncertain significance for Long QT syndrome. Last evaluated: 2024-03-05. Review status: criteria provided, single submitter. Criteria: ACMG Guidelines, 2015. Collection method: clinical testing. Allele origin: germline. Inheritance: Autosomal dominant inheritance. Observed: 1 variant allele, 1 heterozygote.
Comment: This study involves interpretation of variants in research participants for the purpose of population health screening. Participant phenotype was not available at the time of variant classification. Additional details can be found in publication PMID: 35346344, PMCID: PMC8962531

NM_000238.4(KCNH2):c.1165A>C (p.Lys389Gln)

Gene: KCNH2 (potassium voltage-gated channel subfamily H member 2; minus strand). Cytogenetic location: 7q36.1.
Variant type: single nucleotide variant.
Coding change: c.1165A>C on transcript NM_000238.4 (MANE Select); coding-DNA position 1165, A replaced by C.
Protein change: p.Lys389Gln; replaces lysine 389 with glutamine.
Molecular consequence: missense variant. On other transcripts: non-coding transcript variant (2).
Genome position (GRCh38, 1-based): chr7:150,952,817, T>G on the plus strand (A>C on the coding strand, the complement: KCNH2 is on the minus strand). VCF-style: chr7-150952817-T-G. GRCh37 (hg19) VCF-style: chr7-150649905-T-G.
Other names: c.145A>C, p.Lys49Gln (NM_001204798.2, NM_172057.3); c.877A>C, p.Lys293Gln (NM_001406753.1, NM_001406756.1); c.988A>C, p.Lys330Gln (NM_001406755.1); c.865A>C, p.Lys289Gln (NM_001406757.1); c.1165A>C, p.Lys389Gln (NM_172056.3); short protein forms K289Q, K293Q, K330Q, K389Q, K49Q.
Identifiers: ClinVar variation 3386905 (VCV003386905.1).
Genomic context (GRCh38, chr7:150,952,817, plus strand): 5'-CGGCCTTGAAGGGGCTGTAATGCAGGATGGTCCAGCGGTGGATGCGCGGTGCCTGCAGCT[T>G]GTACTCAGGCAGCACGTCGGCGCCCAGGGACAGGACCTGCACCCGGGGAAGGCGGAGGTG-3'
Protein context (NP_000229.1, residues 379-399): SLGADVLPEY[Lys389Gln]LQAPRIHRWT